The following is an entry in ClinVar:

NM_020708.5(SLC12A5):c.2297del (p.Leu766fs)

Gene: SLC12A5 (solute carrier family 12 member 5; plus strand). Cytogenetic location: 20q13.12.
Variant type: Deletion.
Coding change: c.2297del on transcript NM_020708.5 (MANE Select); coding-DNA position 2297, one base deleted (T; older notation c.2297delT).
Protein change: p.Leu766fs; shifts the reading frame from leucine 766.
Molecular consequence: frameshift variant.
Genome position (GRCh38, 1-based): chr20:46,051,790, T deleted. VCF-style (leftmost placement, unchanged base first): chr20-46051789-CT-C. GRCh37 (hg19) VCF-style: chr20-44680428-CT-C.
Other names: c.2366del, p.Leu789fs (NM_001134771.2); short protein forms L766fs, L789fs.
Identifiers: ClinVar variation 2825133 (VCV002825133.3), dbSNP rs2515649366, ClinGen allele CA2739277205.
Genomic context (GRCh38, chr20:46,051,789, plus strand): 5'-ATCTCCTCCAACTTGCGTGATGGCGTGTCCCATCTGATCCAGTCCGGGGGCCTCGGGGGG[CT>C]GCAGCACAACACTGTGCTTGTTGGCTGGCCCCGCAACTGGCGCCAGAAGGAAGATCATCA-3'

ClinVar aggregate classification (germline): Pathogenic (1 of 4 stars; one submission).

Conditions:
Developmental and epileptic encephalopathy, 34 (DEE34). Also called: Early infantile epileptic encephalopathy 34; SLC12A5-Related Epilepsy of Infancy with Migrating Focal Seizures. Identifiers: Orphanet 293181, MedGen C4225257, MONDO:0014718, OMIM 616645.

Submission:

Labcorp Genetics (formerly Invitae), Labcorp
Classification: Pathogenic for Developmental and epileptic encephalopathy, 34. Last evaluated: 2022-12-30. Review status: criteria provided, single submitter. Criteria: Invitae Variant Classification Sherloc (09022015). Collection method: clinical testing. Allele origin: germline.
Comment: For these reasons, this variant has been classified as Pathogenic. This variant has not been reported in the literature in individuals affected with SLC12A5-related conditions. This variant is not present in population databases (gnomAD no frequency). This sequence change creates a premature translational stop signal (p.Leu766Argfs*38) in the SLC12A5 gene. It is expected to result in an absent or disrupted protein product. Loss-of-function variants in SLC12A5 are known to be pathogenic (PMID: 26333769, 27436767).

Literature cited by the submitters: PubMed 26333769; PubMed 27436767.